The following is an entry in ClinVar:

NM_001270508.2(TNFAIP3):c.1534del (p.His512fs)

Gene: TNFAIP3 (TNF alpha induced protein 3; plus strand). Cytogenetic location: 6q23.3.
Variant type: Deletion.
Coding change: c.1534del on transcript NM_001270508.2 (MANE Select); coding-DNA position 1534, one base deleted (C; older notation c.1534delC).
Protein change: p.His512fs; shifts the reading frame from histidine 512.
Molecular consequence: frameshift variant.
Genome position (GRCh38, 1-based): chr6:137,878,979, C deleted; the last of 2 consecutive C bases (chr6:137,878,978-137,878,979); deleting either gives the same sequence. VCF-style (leftmost placement, unchanged base first): chr6-137878977-AC-A. GRCh37 (hg19) VCF-style: chr6-138200114-AC-A.
Other names: c.1534del, p.His512fs (NM_006290.4, NM_001270507.2); short protein forms H512fs.
Identifiers: ClinVar variation 3661070 (VCV003661070.2).

ClinVar aggregate classification (germline): Pathogenic (1 of 4 stars; one submission).

Submission:

Labcorp Genetics (formerly Invitae), Labcorp
Classification: Pathogenic. Last evaluated: 2024-07-31. Review status: criteria provided, single submitter. Criteria: Invitae Variant Classification Sherloc (09022015). Collection method: clinical testing. Allele origin: germline.
Comment: This sequence change creates a premature translational stop signal (p.His512Thrfs*185) in the TNFAIP3 gene. While this is not anticipated to result in nonsense mediated decay, it is expected to disrupt the last 279 amino acid(s) of the TNFAIP3 protein. This variant is not present in population databases (gnomAD no frequency). This variant has not been reported in the literature in individuals affected with TNFAIP3-related conditions. This variant disrupts a region of the TNFAIP3 protein in which other variant(s) (p.Gly583Glu) have been determined to be pathogenic (Invitae). This suggests that this is a clinically significant region of the protein, and that variants that disrupt it are likely to be disease-causing. For these reasons, this variant has been classified as Pathogenic.